The following is an entry in ClinVar:

ClinVar aggregate classification (germline): Uncertain significance (1 of 4 stars; one submission).

Allele frequency attached by ClinVar (database versions not stated): TOPMed 0.00001.

Submission:

Labcorp Genetics (formerly Invitae), Labcorp
Classification: Uncertain significance. Last evaluated: 2024-06-08. Review status: criteria provided, single submitter. Criteria: Invitae Variant Classification Sherloc (09022015). Collection method: clinical testing. Allele origin: germline.
Comment: This variant, c.122-1_122insATC, is a complex sequence change that results in the deletion of 1 and insertion of 2 amino acid(s) in the XRCC2 protein (p.Gly41delinsAspArg). This variant is not present in population databases (gnomAD no frequency). This variant has not been reported in the literature in individuals affected with XRCC2-related conditions. ClinVar contains an entry for this variant (Variation ID: 654698). Experimental studies and prediction algorithms are not available or were not evaluated, and the functional significance of this variant is currently unknown. In summary, the available evidence is currently insufficient to determine the role of this variant in disease. Therefore, it has been classified as a Variant of Uncertain Significance.

NM_005431.2(XRCC2):c.122-1_122insATC

Gene: XRCC2 (X-ray repair cross complementing 2; minus strand). Cytogenetic location: 7q36.1.
Variant type: Insertion.
Coding change: c.122-1_122insATC on transcript NM_005431.2 (MANE Select); the canonical splice acceptor site of the intron before coding-DNA position 122 through coding-DNA position 122, ATC inserted.
Molecular consequence: splice acceptor variant.
Genome position: GRCh38 VCF-style: chr7-152649363-C-CGAT. GRCh37 (hg19) VCF-style: chr7-152346448-C-CGAT.
Identifiers: ClinVar variation 654698 (VCV000654698.7), dbSNP rs1590129833, ClinGen allele CA915945589.